The following is an entry in ClinVar:

ClinVar aggregate classification (germline): Uncertain significance. Review status: criteria provided, multiple submitters, no conflicts (2 of 4 stars). 3 submissions from 3 submitters: Uncertain significance (3). Last evaluated 2025-05-22.

Conditions:
Left ventricular noncompaction 8 (LVNC8). Identifiers: Orphanet 154, Orphanet 54260, MedGen C3809288, MONDO:0014152, OMIM 615373.

Allele frequency attached by ClinVar (database versions not stated): TOPMed 0.00031; ESP Exome Variant Server 0.00025.

Submissions (3):

Labcorp Genetics (formerly Invitae), Labcorp
Classification: Uncertain significance for Left ventricular noncompaction 8. Last evaluated: 2025-05-22. Review status: criteria provided, single submitter. Criteria: Invitae Variant Classification Sherloc (09022015). Collection method: clinical testing. Allele origin: germline.
Comment: This sequence change replaces proline, which is neutral and non-polar, with threonine, which is neutral and polar, at codon 937 of the PRDM16 protein (p.Pro937Thr). This variant is present in population databases (rs374972823, gnomAD 0.07%), and has an allele count higher than expected for a pathogenic variant. This variant has not been reported in the literature in individuals affected with PRDM16-related conditions. ClinVar contains an entry for this variant (Variation ID: 573517). An algorithm developed to predict the effect of missense changes on protein structure and function (PolyPhen-2) suggests that this variant is likely to be tolerated. In summary, the available evidence is currently insufficient to determine the role of this variant in disease. Therefore, it has been classified as a Variant of Uncertain Significance.

GeneDx
Classification: Uncertain significance. Last evaluated: 2025-04-23. Review status: criteria provided, single submitter. Criteria: GeneDx Variant Classification Process June 2021. Collection method: clinical testing. Allele origin: germline.
Comment: In silico analysis indicates that this missense variant does not alter protein structure/function; Has not been previously published as pathogenic or benign to our knowledge

Center for Genomics, Ann and Robert H. Lurie Children's Hospital of Chicago
Classification: Uncertain significance for Left ventricular noncompaction 8. Review status: criteria provided, single submitter. Criteria: ACMG Guidelines, 2015. Collection method: clinical testing. Allele origin: germline.
Comment: PRDM16 NM_022114.3 exon 11 p.Pro937Thr (c.2809C>A): This variant has not been reported in the literature but is present in 0.06% (16/24086) of African alleles in the Genome Aggregation Database. This variant is present in ClinVar (Variation ID:573517). Evolutionary conservation suggests that this variant may impact the protein; computational predictive tools suggest that this variant may not impact the protein. In summary, data on this variant is insufficient for disease classification. Therefore, the clinical significance of this variant is uncertain.

NM_022114.4(PRDM16):c.2809C>A (p.Pro937Thr)

Gene: PRDM16 (PR/SET domain 16; plus strand). Cytogenetic location: 1p36.32.
Variant type: single nucleotide variant.
Coding change: c.2809C>A on transcript NM_022114.4 (MANE Select); coding-DNA position 2809, C replaced by A.
Protein change: p.Pro937Thr; replaces proline 937 with threonine.
Molecular consequence: missense variant.
Genome position (GRCh38, 1-based): chr1:3,417,945, C>A. VCF-style: chr1-3417945-C-A. GRCh37 (hg19) VCF-style: chr1-3334509-C-A.
Other names: c.2809C>A, p.Pro937Thr (NM_199454.3); short protein forms P937T.
Identifiers: ClinVar variation 573517 (VCV000573517.13), dbSNP rs374972823, ClinGen allele CA544612.